The following is an entry in ClinVar:

ClinVar aggregate classification (germline): Uncertain significance (1 of 4 stars; one submission).

Conditions:
Developmental and epileptic encephalopathy, 1 (DEE1). Also called: X-linked infantile spasms; West's syndrome; Tonic spasms with clustering, arrest of psychomotor development and hypsarrhythmia on EEG; X-Linked Infantile Spasm Syndrome; OHTAHARA SYNDROME, X-LINKED; INFANTILE SPASM SYNDROME, X-LINKED 1. Identifiers: MedGen C3463992, MONDO:0010632, OMIM 308350. Disease mechanism: loss of function.
Autosomal dominant nonsyndromic hearing loss 65. Also called: Deafness, autosomal dominant 65; TBC1D24-Related Autosomal Dominant Nonsyndromic Hearing Loss (DFNA). Identifiers: Orphanet 90635, MedGen C3892048, MONDO:0014470, OMIM 616044.

Submission:

Labcorp Genetics (formerly Invitae), Labcorp
Classification: Uncertain significance for Developmental and epileptic encephalopathy, 1; Autosomal dominant nonsyndromic hearing loss 65. Last evaluated: 2022-05-24. Review status: criteria provided, single submitter. Criteria: Invitae Variant Classification Sherloc (09022015). Collection method: clinical testing. Allele origin: germline.
Comment: In summary, the available evidence is currently insufficient to determine the role of this variant in disease. Therefore, it has been classified as a Variant of Uncertain Significance. Algorithms developed to predict the effect of missense changes on protein structure and function are either unavailable or do not agree on the potential impact of this missense change (SIFT: "Tolerated"; PolyPhen-2: "Possibly Damaging"; Align-GVGD: "Class C15"). This variant has not been reported in the literature in individuals affected with TBC1D24-related conditions. This variant is not present in population databases (gnomAD no frequency). This sequence change replaces histidine, which is basic and polar, with tyrosine, which is neutral and polar, at codon 332 of the TBC1D24 protein (p.His332Tyr).

NM_001199107.2(TBC1D24):c.994C>T (p.His332Tyr)

Gene: TBC1D24 (TBC1 domain family member 24; plus strand). Cytogenetic location: 16p13.3.
Variant type: single nucleotide variant.
Coding change: c.994C>T on transcript NM_001199107.2 (MANE Select); coding-DNA position 994, C replaced by T.
Protein change: p.His332Tyr; replaces histidine 332 with tyrosine.
Molecular consequence: missense variant.
Genome position (GRCh38, 1-based): chr16:2,498,248, C>T. VCF-style: chr16-2498248-C-T. GRCh37 (hg19) VCF-style: chr16-2548249-C-T.
Other names: c.976C>T, p.His326Tyr (NM_020705.3); short protein forms H326Y, H332Y.
Identifiers: ClinVar variation 1974134 (VCV001974134.5), dbSNP rs933830981, ClinGen allele CA276809791.